The following is an entry in ClinVar:

NM_001563.4(IMPG1):c.1433G>A (p.Gly478Glu)

Gene: IMPG1 (interphotoreceptor matrix proteoglycan 1; minus strand). Cytogenetic location: 6q14.1.
Variant type: single nucleotide variant.
Coding change: c.1433G>A on transcript NM_001563.4 (MANE Select); coding-DNA position 1433, G replaced by A.
Protein change: p.Gly478Glu; replaces glycine 478 with glutamic acid.
Molecular consequence: missense variant.
Genome position (GRCh38, 1-based): chr6:75,950,953, C>T on the plus strand (G>A on the coding strand, the complement: IMPG1 is on the minus strand). VCF-style: chr6-75950953-C-T. GRCh37 (hg19) VCF-style: chr6-76660670-C-T.
Other names: c.1199G>A, p.Gly400Glu (NM_001282368.2); short protein forms G400E, G478E.
Identifiers: ClinVar variation 1935752 (VCV001935752.5), dbSNP rs760628688, ClinGen allele CA3898118.

ClinVar aggregate classification (germline): Uncertain significance (1 of 4 stars; one submission).

Allele frequency attached by ClinVar (database versions not stated): ExAC 0.00001.
gnomAD v4.1: 2 of 1,613,904 alleles (0.00012%); highest among the groups gnomAD compares: Admixed American, 0.0017%; no homozygotes.

Submission:

Labcorp Genetics (formerly Invitae), Labcorp
Classification: Uncertain significance. Last evaluated: 2022-08-09. Review status: criteria provided, single submitter. Criteria: Invitae Variant Classification Sherloc (09022015). Collection method: clinical testing. Allele origin: germline.
Comment: This variant is present in population databases (rs760628688, gnomAD 0.003%). This sequence change replaces glycine, which is neutral and non-polar, with glutamic acid, which is acidic and polar, at codon 478 of the IMPG1 protein (p.Gly478Glu). This variant has not been reported in the literature in individuals affected with IMPG1-related conditions. In summary, the available evidence is currently insufficient to determine the role of this variant in disease. Therefore, it has been classified as a Variant of Uncertain Significance. Algorithms developed to predict the effect of missense changes on protein structure and function output the following: SIFT: "Tolerated"; PolyPhen-2: "Benign"; Align-GVGD: "Class C0". The glutamic acid amino acid residue is found in multiple mammalian species, which suggests that this missense change does not adversely affect protein function.